The following is an entry in ClinVar:

ClinVar aggregate classification (germline): Conflicting classifications of pathogenicity. Review status: criteria provided, conflicting classifications (1 of 4 stars). 2 submissions from 2 submitters: Uncertain significance (1); Likely benign (1). Last evaluated 2026-07-09.

Conditions:
Cardiovascular phenotype. Identifiers: MedGen CN230736.
Hereditary cancer-predisposing syndrome. Also called: Hereditary Cancer Syndrome; Tumor predisposition; Hereditary neoplastic syndrome; Neoplastic Syndromes, Hereditary. Identifiers: Orphanet 140162, MedGen C0027672, MeSH D009386, MONDO:0015356.
Neurofibromatosis, type 1 (NF1). Also called: Peripheral type neurofibromatosis; Neurofibromatosis, type I; VON RECKLINGHAUSEN DISEASE; NEUROFIBROMATOSIS, TYPE I, SOMATIC. Identifiers: Orphanet 636, MedGen C0027831, MONDO:0018975, OMIM 162200. Disease mechanism: loss of function.

gnomAD v4.1: 1 of 1,613,706 alleles (0.000062%); highest among the groups gnomAD compares: Non-Finnish European, 0.000085%; no homozygotes.

Submissions (2):

Ambry Genetics
Classification: Likely benign for Cardiovascular phenotype; Hereditary cancer-predisposing syndrome. Last evaluated: 2026-07-09. Review status: criteria provided, single submitter. Criteria: Ambry Variant Classification Scheme 2023. Collection method: clinical testing. Allele origin: germline.

Labcorp Genetics (formerly Invitae), Labcorp
Classification: Uncertain significance for Neurofibromatosis, type 1. Last evaluated: 2025-02-10. Review status: criteria provided, single submitter. Criteria: Invitae Variant Classification Sherloc (09022015). Collection method: clinical testing. Allele origin: germline.
Comment: This sequence change replaces leucine, which is neutral and non-polar, with valine, which is neutral and non-polar, at codon 2440 of the NF1 protein (p.Leu2440Val). This variant is present in population databases (no rsID available, gnomAD 0.0009%). This variant has not been reported in the literature in individuals affected with NF1-related conditions. ClinVar contains an entry for this variant (Variation ID: 527590). Invitae Evidence Modeling of protein sequence and biophysical properties (such as structural, functional, and spatial information, amino acid conservation, physicochemical variation, residue mobility, and thermodynamic stability) has been performed for this missense variant. However, the output from this modeling did not meet the statistical confidence thresholds required to predict the impact of this variant on NF1 protein function. In summary, the available evidence is currently insufficient to determine the role of this variant in disease. Therefore, it has been classified as a Variant of Uncertain Significance.

NM_001042492.3(NF1):c.7381C>G (p.Leu2461Val)

Gene: NF1 (neurofibromin 1; plus strand). Cytogenetic location: 17q11.2.
Variant type: single nucleotide variant.
Coding change: c.7381C>G on transcript NM_001042492.3 (MANE Select); coding-DNA position 7381, C replaced by G.
Protein change: p.Leu2461Val; replaces leucine 2461 with valine.
Molecular consequence: missense variant.
Genome position (GRCh38, 1-based): chr17:31,350,242, C>G. VCF-style: chr17-31350242-C-G. GRCh37 (hg19) VCF-style: chr17-29677260-C-G.
Other names: c.7318C>G, p.Leu2440Val (NM_000267.4); short protein forms L2461V, L2440V.
Identifiers: ClinVar variation 527590 (VCV000527590.9), dbSNP rs1199046022, ClinGen allele CA399017068.
Genomic context (GRCh38, chr17:31,350,242, plus strand): 5'-GCTTTACTTACAGTGTCTGAAGAAGTTCGAAGTCGCTGCAGCCTAAAACATAGAAAGTCA[C>G]TTCTTCTTACTGATATTTCAATGGAAAATGTTCCTATGGATACATATCCCATTCATCATG-3'
Protein context (NP_001035957.1, residues 2451-2471): SRCSLKHRKS[Leu2461Val]LLTDISMENV